The following is an entry in ClinVar:

ClinVar aggregate classification (germline): Conflicting classifications of pathogenicity. Review status: criteria provided, conflicting classifications (1 of 4 stars). 3 submissions from 3 submitters: Uncertain significance (2); Likely benign (1). Last evaluated 2023-03-23.

Conditions:
Breast and/or ovarian cancer. Identifiers: MedGen CN221562.
Hereditary cancer-predisposing syndrome. Also called: Tumor predisposition; Hereditary Cancer Syndrome; Neoplastic Syndromes, Hereditary; Hereditary neoplastic syndrome. Identifiers: Orphanet 140162, MedGen C0027672, MeSH D009386, MONDO:0015356.

Allele frequency attached by ClinVar (database versions not stated): gnomAD exomes below 0.00001.
gnomAD v4.1: 1 of 1,613,946 alleles (0.000062%); highest among the groups gnomAD compares: Non-Finnish European, 0.000085%; no homozygotes.

Submissions (3):

University of Washington Department of Laboratory Medicine, University of Washington
Classification: Likely benign for Hereditary cancer-predisposing syndrome. Last evaluated: 2023-03-23. Review status: criteria provided, single submitter. Criteria: Dines et al. (Genet Med. 2020). Collection method: curation. Allele origin: germline.
Comment: Missense variant in a coldspot region where missense variants are very unlikely to be pathogenic (PMID:31911673).

BRCA2 exon 11 coldspot. Reclassification based on statistical prior probability.

CHEO Genetics Diagnostic Laboratory, Children's Hospital of Eastern Ontario
Classification: Uncertain significance for Breast and/or ovarian cancer. Last evaluated: 2021-08-30. Review status: criteria provided, single submitter. Criteria: ACMG Guidelines, 2015. Collection method: clinical testing. Allele origin: germline. Study: Canadian Open Genetics Repository.

Ambry Genetics
Classification: Uncertain significance for Hereditary cancer-predisposing syndrome. Last evaluated: 2021-05-18. Review status: criteria provided, single submitter. Criteria: Ambry Variant Classification Scheme 2023. Collection method: clinical testing. Allele origin: germline.
Comment: The p.K1531E variant (also known as c.4591A>G), located in coding exon 10 of the BRCA2 gene, results from an A to G substitution at nucleotide position 4591. The lysine at codon 1531 is replaced by glutamic acid, an amino acid with similar properties. This amino acid position is not well conserved in available vertebrate species. In addition, the in silico prediction for this alteration is inconclusive. Since supporting evidence is limited at this time, the clinical significance of this alteration remains unclear.

NM_000059.4(BRCA2):c.4591A>G (p.Lys1531Glu)

Gene: BRCA2 (BRCA2 DNA repair associated; plus strand). Cytogenetic location: 13q13.1.
Variant type: single nucleotide variant.
Coding change: c.4591A>G on transcript NM_000059.4 (MANE Select); coding-DNA position 4591, A replaced by G.
Protein change: p.Lys1531Glu; replaces lysine 1531 with glutamic acid.
Molecular consequence: missense variant.
Genome position (GRCh38, 1-based): chr13:32,338,946, A>G. VCF-style: chr13-32338946-A-G. GRCh37 (hg19) VCF-style: chr13-32913083-A-G.
Other names: short protein forms K1531E.
Identifiers: ClinVar variation 626610 (VCV000626610.6), dbSNP rs1555283865, ClinGen allele CA387781934.